The following is an entry in ClinVar:

ClinVar aggregate classification (germline): Uncertain significance (1 of 4 stars; one submission).

Conditions:
Hereditary cancer-predisposing syndrome. Also called: Neoplastic Syndromes, Hereditary; Hereditary neoplastic syndrome; Tumor predisposition; Hereditary Cancer Syndrome. Identifiers: Orphanet 140162, MedGen C0027672, MeSH D009386, MONDO:0015356.

Submission:

Ambry Genetics
Classification: Uncertain significance for Hereditary cancer-predisposing syndrome. Last evaluated: 2026-02-15. Review status: criteria provided, single submitter. Criteria: Ambry Variant Classification Scheme 2023. Collection method: clinical testing. Allele origin: germline.
Comment: The p.G743C variant (also known as c.2227G>T), located in coding exon 20 of the TSC2 gene, results from a G to T substitution at nucleotide position 2227. The glycine at codon 743 is replaced by cysteine, an amino acid with highly dissimilar properties. This amino acid position is conserved. In addition, the in silico prediction for this alteration is inconclusive. Based on the available evidence, the clinical significance of this variant remains unclear.

NM_000548.5(TSC2):c.2227G>T (p.Gly743Cys)

Gene: TSC2 (TSC complex subunit 2; plus strand). Cytogenetic location: 16p13.3.
Variant type: single nucleotide variant.
Coding change: c.2227G>T on transcript NM_000548.5 (MANE Select); coding-DNA position 2227, G replaced by T.
Protein change: p.Gly743Cys; replaces glycine 743 with cysteine.
Molecular consequence: missense variant. On other transcripts: non-coding transcript variant (5).
Genome position (GRCh38, 1-based): chr16:2,072,855, G>T. VCF-style: chr16-2072855-G-T. GRCh37 (hg19) VCF-style: chr16-2122856-G-T.
Other names: c.2227G>T, p.Gly743Cys (NM_001077183.3, NM_001114382.3, NM_001363528.2 and 6 more transcripts); c.2116G>T, p.Gly706Cys (NM_001318827.2, NM_001406670.1, NM_001406678.1); c.2080G>T, p.Gly694Cys (NM_001318829.2, NM_001406675.1, NM_001406676.1 and 1 more transcripts); c.1627G>T, p.Gly543Cys (NM_001318831.2, NM_001406680.1, NM_001406682.1 and 6 more transcripts); c.2260G>T, p.Gly754Cys (NM_001318832.2); c.1765G>T, p.Gly589Cys (NM_001406681.1); c.2317G>T, p.Gly773Cys (NM_001406667.1, NM_001406668.1); c.2215G>T, p.Gly739Cys (NM_001406671.1, NM_001406673.1); and 3 more; short protein forms G724C, G773C, G209C, G694C, G295C, G589C, G706C, G739C.
Identifiers: ClinVar variation 4823970 (VCV004823970.1).